The following is an entry in ClinVar:

ClinVar aggregate classification (germline): Uncertain significance. Review status: criteria provided, multiple submitters, no conflicts (2 of 4 stars). 2 submissions from 2 submitters: Uncertain significance (2). Last evaluated 2025-08-15.

Conditions:
NRP2-related disorder. Also called: NRP2-related condition.

gnomAD v4.1: 5 of 1,613,892 alleles (0.00031%); highest among the groups gnomAD compares: Admixed American, 0.0017%; no homozygotes.

Submissions (2):

PreventionGenetics, part of Exact Sciences
Classification: Uncertain significance for NRP2-related condition. Last evaluated: 2025-08-15. Review status: criteria provided, single submitter. Criteria: ACMG Guidelines, 2015. Collection method: clinical testing. Allele origin: germline.
Comment: The NRP2 c.244G>A variant is predicted to result in the amino acid substitution p.Asp82Asn. To our knowledge, this variant has not been reported in the literature. This variant is reported in 0.0029% of alleles in individuals of Latino descent in gnomAD. At this time, the clinical significance of this variant is uncertain due to the absence of conclusive functional and genetic evidence.

Ambry Genetics
Classification: Uncertain significance. Last evaluated: 2025-06-03. Review status: criteria provided, single submitter. Criteria: Ambry Variant Classification Scheme 2023. Collection method: clinical testing. Allele origin: germline.

NM_003872.3(NRP2):c.244G>A (p.Asp82Asn)

Gene: NRP2 (neuropilin 2; plus strand). Cytogenetic location: 2q33.3.
Variant type: single nucleotide variant.
Coding change: c.244G>A on transcript NM_003872.3 (MANE Select); coding-DNA position 244, G replaced by A.
Protein change: p.Asp82Asn; replaces aspartic acid 82 with asparagine.
Molecular consequence: missense variant.
Genome position (GRCh38, 1-based): chr2:205,697,714, G>A. VCF-style: chr2-205697714-G-A. GRCh37 (hg19) VCF-style: chr2-206562438-G-A.
Other names: c.244G>A, p.Asp82Asn (NM_018534.4, NM_201264.2, NM_201266.2 and 2 more transcripts); short protein forms D82N.
Identifiers: ClinVar variation 3921916 (VCV003921916.2).